The following is an entry in ClinVar:

NM_003482.4(KMT2D):c.5966C>T (p.Thr1989Met)

Gene: KMT2D (lysine methyltransferase 2D; minus strand). Cytogenetic location: 12q13.12.
Variant type: single nucleotide variant.
Coding change: c.5966C>T on transcript NM_003482.4 (MANE Select); coding-DNA position 5966, C replaced by T.
Protein change: p.Thr1989Met; replaces threonine 1989 with methionine.
Molecular consequence: missense variant.
Genome position (GRCh38, 1-based): chr12:49,042,232, G>A on the plus strand (C>T on the coding strand, the complement: KMT2D is on the minus strand). VCF-style: chr12-49042232-G-A. GRCh37 (hg19) VCF-style: chr12-49436015-G-A.
Other names: c.5966C>T (NM_003482.3); short protein forms T1989M.
Identifiers: ClinVar variation 1675494 (VCV001675494.39), dbSNP rs754420100, ClinGen allele CA6547390.

ClinVar aggregate classification (germline): Conflicting classifications of pathogenicity. Review status: criteria provided, conflicting classifications (1 of 4 stars). 5 submissions from 5 submitters: Uncertain significance (1); Benign (1); Likely benign (2). 1 of the submissions does not count toward it. Last evaluated 2025-10-21.

Conditions:
Kabuki syndrome. Also called: NIIKAWA-KUROKI SYNDROME; Kabuki make-up syndrome. Identifiers: Orphanet 2322, MedGen C0796004, MONDO:0016512.
Inborn genetic diseases. Identifiers: MedGen C0950123, MeSH D030342.

Allele frequency attached by ClinVar (database versions not stated): gnomAD 0.00001 and 0.00002; gnomAD exomes 0.00001 and 0.00002; TOPMed 0.00001.
gnomAD v4.1: 33 of 1,593,996 alleles (0.0021%); highest among the groups gnomAD compares: Middle Eastern, 0.017%; no homozygotes.

Submissions (5):

Labcorp Genetics (formerly Invitae), Labcorp
Classification: Benign for Kabuki syndrome. Last evaluated: 2025-10-21. Review status: criteria provided, single submitter. Criteria: Invitae Variant Classification Sherloc (09022015). Collection method: clinical testing. Allele origin: germline.

Ambry Genetics
Classification: Likely benign for Inborn genetic diseases. Last evaluated: 2025-04-12. Review status: criteria provided, single submitter. Criteria: Ambry Variant Classification Scheme 2023. Collection method: clinical testing. Allele origin: germline.

Blueprint Genetics
Classification: Likely benign. Last evaluated: 2023-04-26. Review status: criteria provided, single submitter. Criteria: ACMG Guidelines, 2015. Collection method: clinical testing. Allele origin: germline.

CeGaT Center for Human Genetics Tuebingen
Classification: Uncertain significance. Last evaluated: 2022-03-01. Review status: criteria provided, single submitter. Criteria: CeGaT Center For Human Genetics Tuebingen Variant Classification Criteria Version 2. Collection method: clinical testing. Allele origin: germline. Affected: yes. Observed: 1 variant allele.

Genetic Services Laboratory, University of Chicago
Classification: Uncertain significance. Last evaluated: 2022-07-05. Review status: no assertion criteria provided. Collection method: clinical testing. Allele origin: germline. Affected: no. Not counted in ClinVar's aggregate classification.
Comment: DNA sequence analysis of the KMT2D gene demonstrated a sequence change, c.5966C>T, in exon 28 that results in an amino acid change, p.Thr1989Met. This sequence change has been described in the gnomAD database with a frequency of 0.0027% in the non-Finnish European subpopulation (dbSNP rs754420100). The p.Thr1989Met change affects a poorly conserved amino acid residue located in a domain of the KMT2D protein that is not known to be functional. In-silico pathogenicity prediction tools (SIFT, PolyPhen2, Align GVGD, REVEL) provide contradictory results for the p.Thr1989Met substitution. This sequence change does not appear to have been previously described in individuals with KMT2D-related disorders. Due to insufficient evidences and the lack of functional studies, the clinical significance of the p.Thr1989Met change remains unknown at this time